The following is an entry in ClinVar:

ClinVar aggregate classification (germline): Pathogenic (1 of 4 stars; one submission).

Conditions:
Bardet-Biedl syndrome (BBS). Identifiers: Orphanet 110, MedGen C0752166, MONDO:0015229.

Submission:

Labcorp Genetics (formerly Invitae), Labcorp
Classification: Pathogenic for Bardet-Biedl syndrome. Last evaluated: 2020-03-06. Review status: criteria provided, single submitter. Criteria: Invitae Variant Classification Sherloc (09022015). Collection method: clinical testing. Allele origin: germline.
Comment: A gross deletion of the genomic region encompassing the full coding sequence of the BBS1 gene has been identified. The boundaries of this event are unknown as the deletion extends beyond the assayed region for this gene and therefore may encompass additional genes. This variant has not been reported in the literature in individuals with BBS1-related conditions. Loss-of-function variants in BBS1 are known to be pathogenic (PMID: 12118255). For these reasons, this variant has been classified as Pathogenic.

Literature cited by the submitters: PubMed 12118255.

NC_000011.9:g.(?_66278111)_(66299528_?)del

Gene: BBS1 (Bardet-Biedl syndrome 1; plus strand). Cytogenetic location: 11q13.2.
Variant type: Deletion.
Identifiers: ClinVar variation 1075743 (VCV001075743.4).